The following is an entry in ClinVar:

NM_001401501.2(MUC16):c.30950C>T (p.Thr10317Ile)

Gene: MUC16 (mucin 16, cell surface associated; minus strand). Cytogenetic location: 19p13.2.
Variant type: single nucleotide variant.
Coding change: c.30950C>T on transcript NM_001401501.2 (MANE Select); coding-DNA position 30950, C replaced by T.
Protein change: p.Thr10317Ile; replaces threonine 10317 with isoleucine.
Molecular consequence: missense variant.
Genome position (GRCh38, 1-based): chr19:8,945,940, G>A on the plus strand (C>T on the coding strand, the complement: MUC16 is on the minus strand). VCF-style: chr19-8945940-G-A. GRCh37 (hg19) VCF-style: chr19-9056616-G-A.
Other names: c.31376C>T, p.Thr10459Ile (NM_001414686.1); c.30830C>T, p.Thr10277Ile (NM_001414687.1, NM_024690.2); short protein forms T10277I, T10317I, T10459I.
Identifiers: ClinVar variation 2649239 (VCV002649239.24), dbSNP rs202108751, ClinGen allele CA9167026.

ClinVar aggregate classification (germline): Likely benign (1 of 4 stars; one submission).

Allele frequency attached by ClinVar (database versions not stated): gnomAD 0.00003; TOPMed 0.00003; ExAC 0.00005; ESP Exome Variant Server 0.00008.

Submission:

CeGaT Center for Human Genetics Tuebingen
Classification: Likely benign. Last evaluated: 2023-08-01. Review status: criteria provided, single submitter. Criteria: CeGaT Center For Human Genetics Tuebingen Variant Classification Criteria Version 2. Collection method: clinical testing. Allele origin: germline. Affected: yes. Observed: 1 variant allele.
Comment: MUC16: BP4